The following is an entry in ClinVar:

NM_003466.4(PAX8):c.1256T>G (p.Phe419Cys)

Gene: PAX8 (paired box 8; minus strand). Cytogenetic location: 2q14.1.
Variant type: single nucleotide variant.
Coding change: c.1256T>G on transcript NM_003466.4 (MANE Select); coding-DNA position 1256, T replaced by G.
Protein change: p.Phe419Cys; replaces phenylalanine 419 with cysteine.
Molecular consequence: missense variant.
Genome position (GRCh38, 1-based): chr2:113,220,112, A>C on the plus strand (T>G on the coding strand, the complement: PAX8 is on the minus strand). VCF-style: chr2-113220112-A-C. GRCh37 (hg19) VCF-style: chr2-113977689-A-C.
Other names: c.1177T>G, p.Ser393Ala (NM_013952.4); c.946T>G, p.Ser316Ala (NM_013953.4); c.844T>G, p.Ser282Ala (NM_013992.4); short protein forms F419C, S282A, S316A, S393A.
Identifiers: ClinVar variation 3360661 (VCV003360661.1).

ClinVar aggregate classification (germline): Uncertain significance (1 of 4 stars; one submission).

gnomAD v4.1: 46 of 1,613,612 alleles (0.0029%); highest among the groups gnomAD compares: Non-Finnish European, 0.0038%; no homozygotes.

Submission:

GeneDx
Classification: Uncertain significance. Last evaluated: 2023-07-03. Review status: criteria provided, single submitter. Criteria: GeneDx Variant Classification Process June 2021. Collection method: clinical testing. Allele origin: germline. Affected: yes.
Comment: Not observed at significant frequency in large population cohorts (gnomAD); In silico analysis supports that this missense variant has a deleterious effect on protein structure/function; Has not been previously published as pathogenic or benign to our knowledge